The following is an entry in ClinVar:

NM_003322.6(TULP1):c.499+2T>C

Gene: TULP1 (TUB like protein 1; minus strand). Cytogenetic location: 6p21.31.
Variant type: single nucleotide variant.
Coding change: c.499+2T>C on transcript NM_003322.6 (MANE Select); the canonical splice donor site of the intron after coding-DNA position 499, T replaced by C.
Molecular consequence: splice donor variant.
Genome position (GRCh38, 1-based): chr6:35,510,859, A>G on the plus strand (T>C on the coding strand, the complement: TULP1 is on the minus strand). VCF-style: chr6-35510859-A-G. GRCh37 (hg19) VCF-style: chr6-35478636-A-G.
Other names: c.340+2T>C (NM_001289395.2).
Identifiers: ClinVar variation 1506566 (VCV001506566.6), dbSNP rs1761183827, ClinGen allele CA363783002.

ClinVar aggregate classification (germline): Likely pathogenic (1 of 4 stars; one submission).

Allele frequency attached by ClinVar (database versions not stated): gnomAD 0.00001.

Submission:

Labcorp Genetics (formerly Invitae), Labcorp
Classification: Likely pathogenic. Last evaluated: 2022-11-08. Review status: criteria provided, single submitter. Criteria: Invitae Variant Classification Sherloc (09022015). Collection method: clinical testing. Allele origin: germline.
Comment: This variant is not present in population databases (gnomAD no frequency). This sequence change affects a donor splice site in intron 5 of the TULP1 gene. It is expected to disrupt RNA splicing. Variants that disrupt the donor or acceptor splice site typically lead to a loss of protein function (PMID: 16199547), and loss-of-function variants in TULP1 are known to be pathogenic (PMID: 8606774, 10549638, 15024725, 18055821). This variant has not been reported in the literature in individuals affected with TULP1-related conditions. In summary, the currently available evidence indicates that the variant is pathogenic, but additional data are needed to prove that conclusively. Therefore, this variant has been classified as Likely Pathogenic. Algorithms developed to predict the effect of sequence changes on RNA splicing suggest that this variant may disrupt the consensus splice site. ClinVar contains an entry for this variant (Variation ID: 1506566).

Literature cited by the submitters: PubMed 16199547; PubMed 8606774; PubMed 10549638; PubMed 15024725; PubMed 18055821.